The following is an entry in ClinVar:

NM_000038.6(APC):c.530dup (p.Asn177fs)

Gene: APC (APC regulator of Wnt signaling pathway; plus strand). Cytogenetic location: 5q22.2.
Variant type: Duplication.
Coding change: c.530dup on transcript NM_000038.6 (MANE Select); coding-DNA position 530, one base duplicated (A; older notation c.530dupA).
Protein change: p.Asn177fs; shifts the reading frame from asparagine 177.
Molecular consequence: frameshift variant. On other transcripts: 5 prime UTR variant (4), non-coding transcript variant (2).
Genome position (GRCh38, 1-based): chr5:112,775,736, A duplicated; the last of 4 consecutive A bases (chr5:112,775,733-112,775,736); duplicating any one gives the same sequence. VCF-style (leftmost placement, unchanged base first): chr5-112775732-G-GA. GRCh37 (hg19) VCF-style: chr5-112111429-G-GA.
Other names: c.530dup, p.Asn177fs (NM_001127510.3, NM_001354895.2, NM_001354896.2 and 16 more transcripts); c.560dup, p.Asn187fs (NM_001127511.3, NM_001354897.2, NM_001354902.2 and 1 more transcripts); c.455dup, p.Asn152fs (NM_001354898.2, NM_001354904.2, NM_001407451.1); c.353dup, p.Asn118fs (NM_001354900.2, NM_001354901.2, NM_001354905.2 and 1 more transcripts); c.-506dup (NM_001354906.2, NM_001407470.1, NM_001407471.1 and 1 more transcripts); short protein forms N118fs, N187fs, N152fs, N177fs.
Identifiers: ClinVar variation 4718081 (VCV004718081.1).

ClinVar aggregate classification (germline): Pathogenic (1 of 4 stars; one submission).

Conditions:
Familial adenomatous polyposis 1 (FAP1). Also called: FAMILIAL ADENOMATOUS POLYPOSIS 1, ATTENUATED; POLYPOSIS, ADENOMATOUS INTESTINAL. Identifiers: MedGen C2713442, MONDO:0021056, OMIM 175100. Disease mechanism: loss of function.

Submission:

Labcorp Genetics (formerly Invitae), Labcorp
Classification: Pathogenic for Familial adenomatous polyposis 1. Last evaluated: 2025-04-22. Review status: criteria provided, single submitter. Criteria: Invitae Variant Classification Sherloc (09022015). Collection method: clinical testing. Allele origin: germline.
Comment: This sequence change creates a premature translational stop signal (p.Asn177Lysfs*16) in the APC gene. It is expected to result in an absent or disrupted protein product. Loss-of-function variants in APC are known to be pathogenic (PMID: 17963004, 20685668). This variant is not present in population databases (gnomAD no frequency). This variant has not been reported in the literature in individuals affected with APC-related conditions. For these reasons, this variant has been classified as Pathogenic.

Literature cited by the submitters: PubMed 17963004; PubMed 20685668.